The following is an entry in ClinVar:

NM_000465.4(BARD1):c.494C>T (p.Thr165Ile)

Gene: BARD1 (BRCA1 associated RING domain 1; minus strand). Cytogenetic location: 2q35.
Variant type: single nucleotide variant.
Coding change: c.494C>T on transcript NM_000465.4 (MANE Select); coding-DNA position 494, C replaced by T.
Protein change: p.Thr165Ile; replaces threonine 165 with isoleucine.
Molecular consequence: missense variant. On other transcripts: non-coding transcript variant (2), intron variant (3).
Genome position (GRCh38, 1-based): chr2:214,781,380, G>A on the plus strand (C>T on the coding strand, the complement: BARD1 is on the minus strand). VCF-style: chr2-214781380-G-A. GRCh37 (hg19) VCF-style: chr2-215646104-G-A.
Other names: c.437C>T, p.Thr146Ile (NM_001282543.2); c.158+28032C>T (NM_001282548.2); c.215+15681C>T (NM_001282545.2); c.364+10917C>T (NM_001282549.2); short protein forms T146I, T165I.
Identifiers: ClinVar variation 2585717 (VCV002585717.2), dbSNP rs2469512625, ClinGen allele CA350457529.

ClinVar aggregate classification (germline): Uncertain significance (1 of 4 stars; one submission).

Conditions:
Hereditary cancer-predisposing syndrome. Also called: Hereditary neoplastic syndrome; Tumor predisposition; Hereditary Cancer Syndrome; Neoplastic Syndromes, Hereditary. Identifiers: Orphanet 140162, MedGen C0027672, MeSH D009386, MONDO:0015356.

Submission:

Ambry Genetics
Classification: Uncertain significance for Hereditary cancer-predisposing syndrome. Last evaluated: 2023-09-05. Review status: criteria provided, single submitter. Criteria: Ambry Variant Classification Scheme 2023. Collection method: clinical testing. Allele origin: germline.
Comment: The p.T165I variant (also known as c.494C>T), located in coding exon 4 of the BARD1 gene, results from a C to T substitution at nucleotide position 494. The threonine at codon 165 is replaced by isoleucine, an amino acid with similar properties. This amino acid position is conserved. In addition, this alteration is predicted to be tolerated by in silico analysis. Since supporting evidence is limited at this time, the clinical significance of this alteration remains unclear.